The following is an entry in ClinVar:

ClinVar aggregate classification (germline): Uncertain significance (1 of 4 stars; one submission).

Conditions:
Spinocerebellar ataxia type 35. Identifiers: Orphanet 276193, MedGen C3888031, MONDO:0013485, OMIM 613908.

Allele frequency attached by ClinVar (database versions not stated): gnomAD exomes below 0.00001.
gnomAD v4.1: 1 of 1,614,214 alleles (0.000062%); highest among the groups gnomAD compares: East Asian, 0.0022%; no homozygotes.

Submission:

Neuberg Centre For Genomic Medicine, NCGM
Classification: Uncertain significance for Spinocerebellar ataxia type 35. Review status: criteria provided, single submitter. Criteria: ACMG Guidelines, 2015. Collection method: clinical testing. Allele origin: germline. Affected: yes.
Comment: The missense variant p.G388D in TGM6 (NM_198994.3) has not been reported previously as a pathogenic variant nor as a benign variant, to our knowledge. The missense variant c.1163G>A (p.G388D) in TGM6 (NM_198994.3) is not observed in the large population cohorts of the gnomAD and 1000 Genomes datasets. In silico tools are contradictory in their predictions (SIFT-Tolerated, Polyphen-2-Damaging) and the residue is not conserved across species. For these reasons, this variant has been classified as Uncertain Significance.

NM_198994.3(TGM6):c.1163G>A (p.Gly388Asp)

Gene: TGM6 (transglutaminase 6; plus strand). Cytogenetic location: 20p13.
Variant type: single nucleotide variant.
Coding change: c.1163G>A on transcript NM_198994.3 (MANE Select); coding-DNA position 1163, G replaced by A.
Protein change: p.Gly388Asp; replaces glycine 388 with aspartic acid.
Molecular consequence: missense variant.
Genome position (GRCh38, 1-based): chr20:2,403,650, G>A. VCF-style: chr20-2403650-G-A. GRCh37 (hg19) VCF-style: chr20-2384296-G-A.
Other names: c.1163G>A, p.Gly388Asp (NM_001254734.2); short protein forms G388D.
Identifiers: ClinVar variation 1339061 (VCV001339061.2), dbSNP rs2122375873, ClinGen allele CA408012863.